The following is an entry in ClinVar:

NM_000860.6(HPGD):c.446C>T (p.Pro149Leu)

Gene: HPGD (15-hydroxyprostaglandin dehydrogenase; minus strand). Cytogenetic location: 4q34.1.
Variant type: single nucleotide variant.
Coding change: c.446C>T on transcript NM_000860.6 (MANE Select); coding-DNA position 446, C replaced by T.
Protein change: p.Pro149Leu; replaces proline 149 with leucine.
Molecular consequence: missense variant. On other transcripts: intron variant (1).
Genome position (GRCh38, 1-based): chr4:174,495,600, G>A on the plus strand (C>T on the coding strand, the complement: HPGD is on the minus strand). VCF-style: chr4-174495600-G-A. GRCh37 (hg19) VCF-style: chr4-175416751-G-A.
Other names: c.446C>T, p.Pro149Leu (NM_001145816.3); c.83C>T, p.Pro28Leu (NM_001256301.1, NM_001256307.2); c.242C>T, p.Pro81Leu (NM_001256306.2); c.422-3506C>T (NM_001256305.2); short protein forms P149L, P28L, P81L.
Identifiers: ClinVar variation 1305962 (VCV001305962.9), dbSNP rs375335006, ClinGen allele CA3142260.

ClinVar aggregate classification (germline): Uncertain significance. Review status: criteria provided, multiple submitters, no conflicts (2 of 4 stars). 2 submissions from 2 submitters: Uncertain significance (2). Last evaluated 2022-10-13.

Allele frequency attached by ClinVar (database versions not stated): gnomAD 0.00001; gnomAD exomes 0.00001; TOPMed 0.00001; ExAC 0.00002; ESP Exome Variant Server 0.00008.
gnomAD v4.1: 14 of 1,613,530 alleles (0.00087%); highest among the groups gnomAD compares: Non-Finnish European, 0.0011%; no homozygotes.

Submissions (2):

Labcorp Genetics (formerly Invitae), Labcorp
Classification: Uncertain significance. Last evaluated: 2022-10-13. Review status: criteria provided, single submitter. Criteria: Invitae Variant Classification Sherloc (09022015). Collection method: clinical testing. Allele origin: germline.
Comment: This sequence change replaces proline, which is neutral and non-polar, with leucine, which is neutral and non-polar, at codon 149 of the HPGD protein (p.Pro149Leu). This variant is present in population databases (rs375335006, gnomAD 0.003%). This variant has not been reported in the literature in individuals affected with HPGD-related conditions. ClinVar contains an entry for this variant (Variation ID: 1305962). Algorithms developed to predict the effect of missense changes on protein structure and function (SIFT, PolyPhen-2, Align-GVGD) all suggest that this variant is likely to be disruptive. In summary, the available evidence is currently insufficient to determine the role of this variant in disease. Therefore, it has been classified as a Variant of Uncertain Significance.

GeneDx
Classification: Uncertain significance. Last evaluated: 2019-05-30. Review status: criteria provided, single submitter. Criteria: GeneDx Variant Classification Process June 2021. Collection method: clinical testing. Allele origin: germline. Affected: yes.
Comment: Not observed at a significant frequency in large population cohorts (Lek et al., 2016); In silico analysis, which includes protein predictors and evolutionary conservation, supports a deleterious effect; Has not been previously published as pathogenic or benign to our knowledge